The following is an entry in ClinVar:

ClinVar aggregate classification (germline): Uncertain significance (1 of 4 stars; one submission).

Conditions:
Deficiency of alpha-mannosidase (MANSA). Also called: LYSOSOMAL ALPHA-D-MANNOSIDASE DEFICIENCY; Mannosidosis, alpha-, types I and II; Alpha-Mannosidosis. Identifiers: Orphanet 61, MedGen C0024748, MONDO:0009561, OMIM 248500.

Submission:

Labcorp Genetics (formerly Invitae), Labcorp
Classification: Uncertain significance for Deficiency of alpha-mannosidase. Last evaluated: 2024-01-03. Review status: criteria provided, single submitter. Criteria: Invitae Variant Classification Sherloc (09022015). Collection method: clinical testing. Allele origin: germline.
Comment: This sequence change replaces glycine, which is neutral and non-polar, with aspartic acid, which is acidic and polar, at codon 154 of the MAN2B1 protein (p.Gly154Asp). This variant is not present in population databases (gnomAD no frequency). This variant has not been reported in the literature in individuals affected with MAN2B1-related conditions. Advanced modeling of protein sequence and biophysical properties (such as structural, functional, and spatial information, amino acid conservation, physicochemical variation, residue mobility, and thermodynamic stability) has been performed at Invitae for this missense variant, however the output from this modeling did not meet the statistical confidence thresholds required to predict the impact of this variant on MAN2B1 protein function. In summary, the available evidence is currently insufficient to determine the role of this variant in disease. Therefore, it has been classified as a Variant of Uncertain Significance.

NM_000528.4(MAN2B1):c.461G>A (p.Gly154Asp)

Gene: MAN2B1 (mannosidase alpha class 2B member 1; minus strand). Cytogenetic location: 19p13.13.
Variant type: single nucleotide variant.
Coding change: c.461G>A on transcript NM_000528.4 (MANE Select); coding-DNA position 461, G replaced by A.
Protein change: p.Gly154Asp; replaces glycine 154 with aspartic acid.
Molecular consequence: missense variant.
Genome position (GRCh38, 1-based): chr19:12,664,961, C>T on the plus strand (G>A on the coding strand, the complement: MAN2B1 is on the minus strand). VCF-style: chr19-12664961-C-T. GRCh37 (hg19) VCF-style: chr19-12775775-C-T.
Other names: c.461G>A, p.Gly154Asp (NM_001173498.2); short protein forms G154D.
Identifiers: ClinVar variation 2707256 (VCV002707256.3), dbSNP rs2512514959, ClinGen allele CA404255398.